The following is an entry in ClinVar:

ClinVar aggregate classification (germline): Uncertain significance (1 of 4 stars; one submission).

Conditions:
Primary ciliary dyskinesia. Also called: Ciliary dyskinesia. Identifiers: Orphanet 244, MedGen C0008780, MONDO:0016575, HP:0012265.

Allele frequency attached by ClinVar (database versions not stated): TOPMed below 0.00001.

Submission:

Labcorp Genetics (formerly Invitae), Labcorp
Classification: Uncertain significance for Primary ciliary dyskinesia. Last evaluated: 2023-04-25. Review status: criteria provided, single submitter. Criteria: Invitae Variant Classification Sherloc (09022015). Collection method: clinical testing. Allele origin: germline.
Comment: In summary, the available evidence is currently insufficient to determine the role of this variant in disease. Therefore, it has been classified as a Variant of Uncertain Significance. Advanced modeling of protein sequence and biophysical properties (such as structural, functional, and spatial information, amino acid conservation, physicochemical variation, residue mobility, and thermodynamic stability) performed at Invitae indicates that this missense variant is not expected to disrupt RSPH4A protein function. This variant has not been reported in the literature in individuals affected with RSPH4A-related conditions. This variant is not present in population databases (gnomAD no frequency). This sequence change replaces lysine, which is basic and polar, with arginine, which is basic and polar, at codon 457 of the RSPH4A protein (p.Lys457Arg).

NM_001010892.3(RSPH4A):c.1370A>G (p.Lys457Arg)

Gene: RSPH4A (radial spoke head component 4A; plus strand). Cytogenetic location: 6q22.1.
Variant type: single nucleotide variant.
Coding change: c.1370A>G on transcript NM_001010892.3 (MANE Select); coding-DNA position 1370, A replaced by G.
Protein change: p.Lys457Arg; replaces lysine 457 with arginine.
Molecular consequence: missense variant.
Genome position (GRCh38, 1-based): chr6:116,628,077, A>G. VCF-style: chr6-116628077-A-G. GRCh37 (hg19) VCF-style: chr6-116949240-A-G.
Other names: c.1370A>G, p.Lys457Arg (NM_001161664.2); short protein forms K457R.
Identifiers: ClinVar variation 2859257 (VCV002859257.1), dbSNP rs1775729139, ClinGen allele CA365405954.
Genomic context (GRCh38, chr6:116,628,077, plus strand): 5'-CAGGAAGACCATGGGTGAAGTTACCACCAGTTATACCTGCACAAATTGTTATTGCAAGAA[A>G]AATCAAGAAATTTTTCACTGGGCGATTGGATGCTCCCATCATAAGCTACCCACCTTTCCC-3'
Protein context (NP_001010892.1, residues 447-467): VIPAQIVIAR[Lys457Arg]IKKFFTGRLD